The following is an entry in ClinVar:

ClinVar aggregate classification (germline): Uncertain significance (1 of 4 stars; one submission).

Conditions:
Hereditary pancreatitis (PCTT). Also called: Hereditary chronic pancreatitis; PRSS1-Related Hereditary Pancreatitis. Identifiers: Orphanet 676, MedGen C0238339, MONDO:0008185, OMIM 167800.

Submission:

Labcorp Genetics (formerly Invitae), Labcorp
Classification: Uncertain significance for Hereditary pancreatitis. Last evaluated: 2021-07-12. Review status: criteria provided, single submitter. Criteria: Invitae Variant Classification Sherloc (09022015). Collection method: clinical testing. Allele origin: germline.
Comment: This variant has not been reported in the literature in individuals affected with PRSS1-related conditions. In summary, the available evidence is currently insufficient to determine the role of this variant in disease. Therefore, it has been classified as a Variant of Uncertain Significance. Experimental studies and prediction algorithms are not available or were not evaluated, and the functional significance of this variant is currently unknown. This variant results in a copy number gain of the genomic region encompassing exon(s) 4-5 of the PRSS1 gene. The 5' boundary is likely confined to intron 3. The 3' end of this event is unknown as it extends beyond the assayed region for this gene and therefore may encompass additional genes. As the precise location of this event is unknown, it may be in tandem or it may be located elsewhere in the genome.

NC_000007.13:g.(?_142460272)_(142460871_?)dup

Genes: PRSS1 (serine protease 1; plus strand), TRB (T cell receptor beta locus; plus strand). Cytogenetic location: 7q34.
Variant type: Duplication.
Identifiers: ClinVar variation 1511976 (VCV001511976.4).